The following is an entry in ClinVar:

NM_031220.4(PITPNM3):c.1268T>C (p.Val423Ala)

Gene: PITPNM3 (PITPNM family member 3; minus strand). Cytogenetic location: 17p13.2.
Variant type: single nucleotide variant.
Coding change: c.1268T>C on transcript NM_031220.4 (MANE Select); coding-DNA position 1268, T replaced by C.
Protein change: p.Val423Ala; replaces valine 423 with alanine.
Molecular consequence: missense variant.
Genome position (GRCh38, 1-based): chr17:6,472,818, A>G on the plus strand (T>C on the coding strand, the complement: PITPNM3 is on the minus strand). VCF-style: chr17-6472818-A-G. GRCh37 (hg19) VCF-style: chr17-6376138-A-G.
Other names: c.1160T>C, p.Val387Ala (NM_001165966.2); short protein forms V387A, V423A.
Identifiers: ClinVar variation 1384789 (VCV001384789.8), dbSNP rs1408294926, ClinGen allele CA397406259.

ClinVar aggregate classification (germline): Uncertain significance (1 of 4 stars; one submission).

Allele frequency attached by ClinVar (database versions not stated): gnomAD exomes below 0.00001 and 0.00001; gnomAD 0.00001.

Submission:

Labcorp Genetics (formerly Invitae), Labcorp
Classification: Uncertain significance. Last evaluated: 2025-03-31. Review status: criteria provided, single submitter. Criteria: Invitae Variant Classification Sherloc (09022015). Collection method: clinical testing. Allele origin: germline.
Comment: This sequence change replaces valine, which is neutral and non-polar, with alanine, which is neutral and non-polar, at codon 423 of the PITPNM3 protein (p.Val423Ala). This variant is present in population databases (no rsID available, gnomAD 0.01%). This missense change has been observed in individual(s) with clinical features of cone-rod dystrophy (internal data). ClinVar contains an entry for this variant (Variation ID: 1384789). Invitae Evidence Modeling of protein sequence and biophysical properties (such as structural, functional, and spatial information, amino acid conservation, physicochemical variation, residue mobility, and thermodynamic stability) indicates that this missense variant is not expected to disrupt PITPNM3 protein function with a negative predictive value of 80%. In summary, the available evidence is currently insufficient to determine the role of this variant in disease. Therefore, it has been classified as a Variant of Uncertain Significance.